The following is an entry in ClinVar:

NM_001159699.2(FHL1):c.701C>G (p.Ala234Gly)

Gene: FHL1 (four and a half LIM domains 1; plus strand). Cytogenetic location: Xq26.3.
Variant type: single nucleotide variant.
Coding change: c.701C>G on transcript NM_001159699.2 (MANE Select); coding-DNA position 701, C replaced by G.
Protein change: p.Ala234Gly; replaces alanine 234 with glycine.
Molecular consequence: missense variant. On other transcripts: non-coding transcript variant (1), intron variant (2).
Genome position (GRCh38, 1-based): chrX:136,208,606, C>G. VCF-style: chrX-136208606-C-G. GRCh37 (hg19) VCF-style: chrX-135290765-C-G.
Other names: c.653C>G, p.Ala218Gly (NM_001159700.2, NM_001159702.3, NM_001159704.1 and 8 more transcripts); c.740C>G, p.Ala247Gly (NM_001159701.2); c.501+645C>G (NM_001159703.2); c.549+645C>G (NM_001330659.2); short protein forms A218G, A234G, A247G.
Identifiers: ClinVar variation 2000074 (VCV002000074.4), dbSNP rs2521303782, ClinGen allele CA414609041.

ClinVar aggregate classification (germline): Uncertain significance (1 of 4 stars; one submission).

Conditions:
X-linked myopathy with postural muscle atrophy. Also called: FHL1-Related Emery-Dreifuss Muscular Dystrophy, X-Linked. Identifiers: Orphanet 178461, MedGen C2678055, MONDO:0010401, OMIM 300696.

Submission:

Labcorp Genetics (formerly Invitae), Labcorp
Classification: Uncertain significance for X-linked myopathy with postural muscle atrophy. Last evaluated: 2022-06-01. Review status: criteria provided, single submitter. Criteria: Invitae Variant Classification Sherloc (09022015). Collection method: clinical testing. Allele origin: germline.
Comment: This sequence change replaces alanine, which is neutral and non-polar, with glycine, which is neutral and non-polar, at codon 218 of the FHL1 protein (p.Ala218Gly). This variant is not present in population databases (gnomAD no frequency). This variant has not been reported in the literature in individuals affected with FHL1-related conditions. Algorithms developed to predict the effect of missense changes on protein structure and function are either unavailable or do not agree on the potential impact of this missense change (SIFT: "Deleterious"; PolyPhen-2: "Possibly Damaging"; Align-GVGD: "Class C0"). In summary, the available evidence is currently insufficient to determine the role of this variant in disease. Therefore, it has been classified as a Variant of Uncertain Significance.